The following is an entry in ClinVar:

ClinVar aggregate classification (germline): Uncertain significance. Review status: criteria provided, multiple submitters, no conflicts (2 of 4 stars). 2 submissions from 2 submitters: Uncertain significance (2). Last evaluated 2025-02-24.

Conditions:
Inborn genetic diseases. Identifiers: MedGen C0950123, MeSH D030342.
Cyclical neutropenia. Also called: Cyclic Neutropenia; Cyclic hematopoiesis. Identifiers: Orphanet 2686, MedGen C0221023, MONDO:0008090, OMIM 162800, HP:0040289. Disease mechanism: loss of function.
Neutropenia, severe congenital, 1, autosomal dominant. Identifiers: MedGen C1859966, MONDO:0042490, OMIM 202700.

Submissions (2):

Ambry Genetics
Classification: Uncertain significance for Inborn genetic diseases. Last evaluated: 2025-02-24. Review status: criteria provided, single submitter. Criteria: Ambry Variant Classification Scheme 2023. Collection method: clinical testing. Allele origin: germline.
Comment: The p.A79T variant (also known as c.235G>A), located in coding exon 3 of the ELANE gene, results from a G to A substitution at nucleotide position 235. The alanine at codon 79 is replaced by threonine, an amino acid with similar properties. This amino acid position is conserved. In addition, this alteration is predicted to be tolerated by in silico analysis. Based on the available evidence, the clinical significance of this variant remains unclear.

Labcorp Genetics (formerly Invitae), Labcorp
Classification: Uncertain significance for Neutropenia, severe congenital, 1, autosomal dominant; Cyclical neutropenia. Last evaluated: 2023-08-04. Review status: criteria provided, single submitter. Criteria: Invitae Variant Classification Sherloc (09022015). Collection method: clinical testing. Allele origin: germline.
Comment: Algorithms developed to predict the effect of missense changes on protein structure and function output the following: SIFT: "Not Available"; PolyPhen-2: "Benign"; Align-GVGD: "Not Available". The threonine amino acid residue is found in multiple mammalian species, which suggests that this missense change does not adversely affect protein function. ClinVar contains an entry for this variant (Variation ID: 2542246). This variant has not been reported in the literature in individuals affected with ELANE-related conditions. In summary, the available evidence is currently insufficient to determine the role of this variant in disease. Therefore, it has been classified as a Variant of Uncertain Significance. This variant is present in population databases (no rsID available, gnomAD 0.003%). This sequence change replaces alanine, which is neutral and non-polar, with threonine, which is neutral and polar, at codon 79 of the ELANE protein (p.Ala79Thr).

NM_001972.4(ELANE):c.235G>A (p.Ala79Thr)

Gene: ELANE (elastase, neutrophil expressed; plus strand). Cytogenetic location: 19p13.3.
Variant type: single nucleotide variant.
Coding change: c.235G>A on transcript NM_001972.4 (MANE Select); coding-DNA position 235, G replaced by A.
Protein change: p.Ala79Thr; replaces alanine 79 with threonine.
Molecular consequence: missense variant.
Genome position (GRCh38, 1-based): chr19:853,272, G>A. VCF-style: chr19-853272-G-A. GRCh37 (hg19) VCF-style: chr19-853272-G-A.
Other names: short protein forms A79T.
Identifiers: ClinVar variation 2542246 (VCV002542246.6), dbSNP rs769123461, ClinGen allele CA402915129.